The following is an entry in ClinVar:

NM_001277115.2(DNAH11):c.11155A>G (p.Ile3719Val)

Gene: DNAH11 (dynein axonemal heavy chain 11; plus strand). Cytogenetic location: 7p15.3.
Variant type: single nucleotide variant.
Coding change: c.11155A>G on transcript NM_001277115.2 (MANE Select); coding-DNA position 11155, A replaced by G.
Protein change: p.Ile3719Val; replaces isoleucine 3719 with valine.
Molecular consequence: missense variant.
Genome position (GRCh38, 1-based): chr7:21,854,408, A>G. VCF-style: chr7-21854408-A-G. GRCh37 (hg19) VCF-style: chr7-21894026-A-G.
Other names: short protein forms I3719V.
Identifiers: ClinVar variation 1419199 (VCV001419199.8), dbSNP rs1213978269, ClinGen allele CA366960094.
Genomic context (GRCh38, chr7:21,854,408, plus strand): 5'-AACGAGGCCCGAGAATGTTACAGACCAGTGGCAGCAAGAGCATCTCTTCTTTATTTTGTT[A>G]TTAATGACCTCCAAAAAATCAACCCCCTCTACCAATTCTCTTTGAAGGTAATGCTGAATG-3'
Protein context (NP_001264044.1, residues 3709-3729): AARASLLYFV[Ile3719Val]NDLQKINPLY

ClinVar aggregate classification (germline): Uncertain significance (1 of 4 stars; one submission).

Conditions:
Primary ciliary dyskinesia. Also called: Ciliary dyskinesia. Identifiers: Orphanet 244, MedGen C0008780, MONDO:0016575, HP:0012265.

Allele frequency attached by ClinVar (database versions not stated): gnomAD 0.00001; TOPMed 0.00001.
gnomAD v4.1: 1 of 1,613,776 alleles (0.000062%); highest among the groups gnomAD compares: African/African-American, 0.0013%; no homozygotes.

Submission:

Labcorp Genetics (formerly Invitae), Labcorp
Classification: Uncertain significance for Primary ciliary dyskinesia. Last evaluated: 2021-07-09. Review status: criteria provided, single submitter. Criteria: Invitae Variant Classification Sherloc (09022015). Collection method: clinical testing. Allele origin: germline.
Comment: This sequence change replaces isoleucine with valine at codon 3719 of the DNAH11 protein (p.Ile3719Val). The isoleucine residue is moderately conserved and there is a small physicochemical difference between isoleucine and valine. This variant is not present in population databases (ExAC no frequency). This variant has not been reported in the literature in individuals affected with DNAH11-related conditions. Advanced modeling of protein sequence and biophysical properties (such as structural, functional, and spatial information, amino acid conservation, physicochemical variation, residue mobility, and thermodynamic stability) performed at Invitae indicates that this missense variant is not expected to disrupt DNAH11 protein function. In summary, the available evidence is currently insufficient to determine the role of this variant in disease. Therefore, it has been classified as a Variant of Uncertain Significance.